The following is an entry in ClinVar:

NM_024818.6(UBA5):c.707C>A (p.Ala236Asp)

Genes: NPHP3-ACAD11 (NPHP3-ACAD11 readthrough (NMD candidate); minus strand), UBA5 (ubiquitin like modifier activating enzyme 5; plus strand). Cytogenetic location: 3q22.1.
Variant type: single nucleotide variant.
Coding change: c.707C>A on transcript NM_024818.6 (MANE Select); coding-DNA position 707, C replaced by A.
Protein change: p.Ala236Asp; replaces alanine 236 with aspartic acid.
Molecular consequence: missense variant.
Genome position (GRCh38, 1-based): chr3:132,672,072, C>A. VCF-style: chr3-132672072-C-A. GRCh37 (hg19) VCF-style: chr3-132390916-C-A.
Other names: c.539C>A, p.Ala180Asp (NM_001320210.2, NM_198329.4); c.437C>A, p.Ala146Asp (NM_001321238.2); c.371C>A, p.Ala124Asp (NM_001321239.1); short protein forms A124D, A236D, A146D, A180D.
Identifiers: ClinVar variation 1408147 (VCV001408147.8), dbSNP rs2107943552, ClinGen allele CA354574526.

ClinVar aggregate classification (germline): Uncertain significance (1 of 4 stars; one submission).

gnomAD v4.1: 2 of 1,613,784 alleles (0.00012%); highest among the groups gnomAD compares: Non-Finnish European, 0.00017%; no homozygotes.

Submission:

Labcorp Genetics (formerly Invitae), Labcorp
Classification: Uncertain significance. Last evaluated: 2024-11-11. Review status: criteria provided, single submitter. Criteria: Invitae Variant Classification Sherloc (09022015). Collection method: clinical testing. Allele origin: germline.
Comment: This sequence change replaces alanine, which is neutral and non-polar, with aspartic acid, which is acidic and polar, at codon 236 of the UBA5 protein (p.Ala236Asp). This variant is not present in population databases (gnomAD no frequency). This variant has not been reported in the literature in individuals affected with UBA5-related conditions. ClinVar contains an entry for this variant (Variation ID: 1408147). Invitae Evidence Modeling of protein sequence and biophysical properties (such as structural, functional, and spatial information, amino acid conservation, physicochemical variation, residue mobility, and thermodynamic stability) indicates that this missense variant is expected to disrupt UBA5 protein function with a positive predictive value of 80%. In summary, the available evidence is currently insufficient to determine the role of this variant in disease. Therefore, it has been classified as a Variant of Uncertain Significance.